The following is an entry in ClinVar:

ClinVar aggregate classification (germline): Uncertain significance (1 of 4 stars; one submission).

Conditions:
Congenital hypothyroidism. Identifiers: Orphanet 442, MedGen C0010308, MONDO:0018612, HP:0000851.

Submission:

Cambridge Genomics Laboratory, East Genomic Laboratory Hub, NHS Genomic Medicine Service
Classification: Uncertain significance for Congenital hypothyroidism. Last evaluated: 2025-04-03. Review status: criteria provided, single submitter. Criteria: ACGS Best Practice Guidelines for Variant Classification in Rare Disease 2020. Collection method: clinical testing. Allele origin: germline. Affected: yes.
Comment: PS3_Supporting,PM2,PP1,PP3

NM_004473.4(FOXE1):c.319C>G (p.Leu107Val)

Gene: FOXE1 (forkhead box E1; plus strand). Cytogenetic location: 9q22.33.
Variant type: single nucleotide variant.
Coding change: c.319C>G on transcript NM_004473.4 (MANE Select); coding-DNA position 319, C replaced by G.
Protein change: p.Leu107Val; replaces leucine 107 with valine.
Molecular consequence: missense variant.
Genome position (GRCh38, 1-based): chr9:97,854,233, C>G. VCF-style: chr9-97854233-C-G. GRCh37 (hg19) VCF-style: chr9-100616515-C-G.
Other names: short protein forms L107V.
Identifiers: ClinVar variation 4683161 (VCV004683161.1).